The following is an entry in ClinVar:

NM_015409.5(EP400):c.5829T>G (p.Gly1943=)

Gene: EP400 (E1A binding protein p400; plus strand). Cytogenetic location: 12q24.33.
Variant type: single nucleotide variant.
Coding change: c.5829T>G on transcript NM_015409.5 (MANE Select); coding-DNA position 5829, T replaced by G.
Protein change: p.Gly1943=; no amino-acid change (glycine 1943 retained).
Molecular consequence: synonymous variant.
Genome position (GRCh38, 1-based): chr12:132,032,027, T>G. VCF-style: chr12-132032027-T-G. GRCh37 (hg19) VCF-style: chr12-132516572-T-G.
Identifiers: ClinVar variation 2643623 (VCV002643623.24), dbSNP rs763680626, ClinGen allele CA6886223.

ClinVar aggregate classification (germline): Likely benign (1 of 4 stars; one submission).

Allele frequency attached by ClinVar (database versions not stated): ExAC 0.00002; gnomAD 0.00003; gnomAD exomes 0.00005; TOPMed 0.00005.
gnomAD v4.1: 73 of 1,614,088 alleles (0.0045%); highest among the groups gnomAD compares: Non-Finnish European, 0.0057%; no homozygotes.

Submission:

CeGaT Center for Human Genetics Tuebingen
Classification: Likely benign. Last evaluated: 2022-10-01. Review status: criteria provided, single submitter. Criteria: CeGaT Center For Human Genetics Tuebingen Variant Classification Criteria Version 2. Collection method: clinical testing. Allele origin: germline. Affected: yes. Observed: 1 variant allele.
Comment: EP400: BP4, BP7